The following is an entry in ClinVar:

NM_003477.3(PDHX):c.995T>A (p.Ile332Asn)

Gene: PDHX (pyruvate dehydrogenase complex component X; plus strand). Cytogenetic location: 11p13.
Variant type: single nucleotide variant.
Coding change: c.995T>A on transcript NM_003477.3 (MANE Select); coding-DNA position 995, T replaced by A.
Protein change: p.Ile332Asn; replaces isoleucine 332 with asparagine.
Molecular consequence: missense variant. On other transcripts: intron variant (1).
Genome position (GRCh38, 1-based): chr11:34,978,154, T>A. VCF-style: chr11-34978154-T-A. GRCh37 (hg19) VCF-style: chr11-34999701-T-A.
Other names: c.815T>A, p.Ile272Asn (NM_001135024.2); c.343-6416T>A (NM_001166158.2); short protein forms I272N, I332N.
Identifiers: ClinVar variation 5016936 (VCV005016936.1).

ClinVar aggregate classification (germline): Uncertain significance (1 of 4 stars; one submission).

Submission:

GeneDx
Classification: Uncertain significance. Last evaluated: 2026-03-25. Review status: criteria provided, single submitter. Criteria: GeneDx Variant Classification Process June 2021. Collection method: clinical testing. Allele origin: germline.
Comment: Not observed at significant frequency in large population cohorts (gnomAD); In silico analysis supports that this missense variant has a deleterious effect on protein structure/function; Has not been previously published as pathogenic or benign to our knowledge